The following is an entry in ClinVar:

NM_015102.5(NPHP4):c.1956-3C>T

Gene: NPHP4 (nephrocystin 4; minus strand). Cytogenetic location: 1p36.31.
Variant type: single nucleotide variant.
Coding change: c.1956-3C>T on transcript NM_015102.5 (MANE Select); 3 bases into the intron before coding-DNA position 1956, C replaced by T.
Molecular consequence: intron variant.
Genome position (GRCh38, 1-based): chr1:5,904,807, G>A on the plus strand (C>T on the coding strand, the complement: NPHP4 is on the minus strand). VCF-style: chr1-5904807-G-A. GRCh37 (hg19) VCF-style: chr1-5964867-G-A.
Other names: c.1956-3C>T (NM_015102.4); c.420-3C>T (NM_001291594.2); c.417-3C>T (NM_001291593.2).
Identifiers: ClinVar variation 2157467 (VCV002157467.7), dbSNP rs778502117, ClinGen allele CA554315.
Genomic context (GRCh38, chr1:5,904,807, plus strand): 5'-CTGGAAGGTGAAATACACAGTCTTTGGCCATGATGTTCCTCGGCAGTCCTGGGCCACTCT[G>A]AATCCAACAACAGCTCTGGGTTAACTGAGTATCCATGGCACAGAACCTGAGGGGTCTAAT-3'

ClinVar aggregate classification (germline): Conflicting classifications of pathogenicity. Review status: criteria provided, conflicting classifications (1 of 4 stars). 3 submissions from 3 submitters: Uncertain significance (1); Likely benign (1). 1 of the submissions does not count toward it. Last evaluated 2022-08-08.

Conditions:
NPHP4-related disorder. Also called: NPHP4-related condition; NPHP4-related disorders. Identifiers: MedGen CN239384.
Nephronophthisis. Also called: Juvenile Nephronophthisis. Identifiers: Orphanet 655, MedGen C0687120, MONDO:0019005, HP:0000090.

Allele frequency attached by ClinVar (database versions not stated): gnomAD exomes below 0.00001; ExAC 0.00001; gnomAD 0.00002; TOPMed 0.00002.
gnomAD v4.1: 7 of 1,613,702 alleles (0.00043%); highest among the groups gnomAD compares: African/African-American, 0.0053%; no homozygotes.

Submissions (3):

Labcorp Genetics (formerly Invitae), Labcorp
Classification: Uncertain significance for Nephronophthisis. Last evaluated: 2022-08-08. Review status: criteria provided, single submitter. Criteria: Invitae Variant Classification Sherloc (09022015). Collection method: clinical testing. Allele origin: germline.
Comment: In summary, the available evidence is currently insufficient to determine the role of this variant in disease. Therefore, it has been classified as a Variant of Uncertain Significance. Variants that disrupt the consensus splice site are a relatively common cause of aberrant splicing (PMID: 17576681, 9536098). Algorithms developed to predict the effect of sequence changes on RNA splicing suggest that this variant is not likely to affect RNA splicing. This variant has not been reported in the literature in individuals affected with NPHP4-related conditions. This variant is present in population databases (rs778502117, gnomAD 0.007%). This sequence change falls in intron 15 of the NPHP4 gene. It does not directly change the encoded amino acid sequence of the NPHP4 protein. It affects a nucleotide within the consensus splice site.

Blueprint Genetics
Classification: Likely benign. Last evaluated: 2021-07-06. Review status: criteria provided, single submitter. Criteria: ACMG Guidelines, 2015. Collection method: clinical testing. Allele origin: germline.

PreventionGenetics, part of Exact Sciences
Classification: Likely benign for NPHP4-related condition. Last evaluated: 2023-06-22. Review status: no assertion criteria provided. Collection method: clinical testing. Allele origin: germline. Not counted in ClinVar's aggregate classification.
Comment: This variant is classified as likely benign based on ACMG/AMP sequence variant interpretation guidelines (Richards et al. 2015 PMID: 25741868, with internal and published modifications).

Literature cited by the submitters: PubMed 17576681 (cited by Labcorp Genetics (formerly Invitae), Labcorp); PubMed 9536098 (cited by Labcorp Genetics (formerly Invitae), Labcorp).